The following is an entry in ClinVar:

ClinVar aggregate classification (germline): Pathogenic. Review status: criteria provided, single submitter (1 of 4 stars). 2 submissions from 2 submitters: Pathogenic (1). 1 of the submissions does not count toward it. Last evaluated 2021-07-02.

Conditions:
Megalencephalic leukoencephalopathy with subcortical cysts 1 (MLC1). Also called: VACUOLATING MEGALENCEPHALIC LEUKOENCEPHALOPATHY WITH SUBCORTICAL CYSTS; LEUKOENCEPHALOPATHY WITH SWELLING AND CYSTS. Identifiers: Orphanet 2478, MedGen C5779875, MONDO:0024555, OMIM 604004.

Submissions (2):

Labcorp Genetics (formerly Invitae), Labcorp
Classification: Pathogenic. Last evaluated: 2021-07-02. Review status: criteria provided, single submitter. Criteria: Invitae Variant Classification Sherloc (09022015). Collection method: clinical testing. Allele origin: germline.
Comment: For these reasons, this variant has been classified as Pathogenic. This variant has been observed in individual(s) with megalencephalic leukoencephalopathy with subcortical cysts (PMID: 28840990, 14615938). This variant is also known as 452–468del+g. This variant is not present in population databases (ExAC no frequency). This sequence change creates a premature translational stop signal (p.Ile113Glyfs*4) in the MLC1 gene. It is expected to result in an absent or disrupted protein product. Loss-of-function variants in MLC1 are known to be pathogenic (PMID: 11254442, 16470554, 24824219).

OMIM
Classification: Pathogenic for MEGALENCEPHALIC LEUKOENCEPHALOPATHY WITH SUBCORTICAL CYSTS 1. Last evaluated: 2003-01-01. Review status: no assertion criteria provided. Collection method: literature only. Allele origin: germline. Not counted in ClinVar's aggregate classification.

Literature cited by the submitters: PubMed 28840990 (cited by Labcorp Genetics (formerly Invitae), Labcorp); PubMed 14615938 (cited by Labcorp Genetics (formerly Invitae), Labcorp and OMIM); PubMed 11254442 (cited by Labcorp Genetics (formerly Invitae), Labcorp); PubMed 16470554 (cited by Labcorp Genetics (formerly Invitae), Labcorp); PubMed 24824219 (cited by Labcorp Genetics (formerly Invitae), Labcorp).

NM_015166.4(MLC1):c.337_353delinsG (p.Ile113fs)

Gene: MLC1 (modulator of VRAC current 1; minus strand). Cytogenetic location: 22q13.33.
Variant type: Indel.
Coding change: c.337_353delinsG on transcript NM_015166.4 (MANE Select); coding-DNA positions 337 to 353, ATATTGTTTGTTTCCAC replaced by G.
Protein change: p.Ile113fs; shifts the reading frame from isoleucine 113.
Molecular consequence: frameshift variant. On other transcripts: non-coding transcript variant (3), intron variant (3).
Genome position (GRCh38, 1-based): chr22:50,079,988-50,080,004, GTGGAAACAAACAATAT replaced by C on the plus strand (ATATTGTTTGTTTCCAC replaced by G on the coding strand, the reverse complement: MLC1 is on the minus strand). VCF-style: chr22-50079988-GTGGAAACAAACAATAT-C. GRCh37 (hg19) VCF-style: chr22-50518417-GTGGAAACAAACAATAT-C.
Other names: c.337_353delinsG, p.Ile113fs (NM_001376474.1, NM_001376475.1, NM_001376476.1 and 6 more transcripts); c.247_263delinsG, p.Ile83fs (NM_001376480.1); c.100_116delinsG, p.Ile34fs (NM_001376484.1); c.268-2502_268-2486delinsG (NM_001376482.1, NM_001376483.1); c.321+340_321+356delinsG (NM_001376481.1); short protein forms I34fs, I113fs, I83fs.
Identifiers: ClinVar variation 972489 (VCV000972489.8), dbSNP rs2062079566, ClinGen allele CA1139667163.